The following is an entry in ClinVar:

ClinVar aggregate classification (germline): Uncertain significance (1 of 4 stars; one submission).

Conditions:
Epilepsy, childhood absence, susceptibility to, 1. Also called: Epilepsy, childhood absence 1. Identifiers: Orphanet 64280, MedGen C1838604, MONDO:0020759, OMIM 600131.
Epilepsy, childhood absence, susceptibility to, 5. Identifiers: Orphanet 64280, MedGen C2677087, MONDO:0012843, OMIM 612269.

Allele frequency attached by ClinVar (database versions not stated): gnomAD exomes below 0.00001.
gnomAD v4.1: 2 of 1,613,390 alleles (0.00012%); highest among the groups gnomAD compares: Non-Finnish European, 0.00017%; no homozygotes.

Submission:

Labcorp Genetics (formerly Invitae), Labcorp
Classification: Uncertain significance for Epilepsy, childhood absence, susceptibility to, 5; Epilepsy, childhood absence, susceptibility to, 1. Last evaluated: 2022-08-15. Review status: criteria provided, single submitter. Criteria: Invitae Variant Classification Sherloc (09022015). Collection method: clinical testing. Allele origin: germline.
Comment: In summary, the available evidence is currently insufficient to determine the role of this variant in disease. Therefore, it has been classified as a Variant of Uncertain Significance. Variants that disrupt the consensus splice site are a relatively common cause of aberrant splicing (PMID: 17576681, 9536098). Algorithms developed to predict the effect of sequence changes on RNA splicing suggest that this variant may disrupt the consensus splice site. Algorithms developed to predict the effect of missense changes on protein structure and function (SIFT, PolyPhen-2, Align-GVGD) all suggest that this variant is likely to be disruptive. ClinVar contains an entry for this variant (Variation ID: 1042138). This variant has not been reported in the literature in individuals affected with GABRB3-related conditions. This variant is not present in population databases (gnomAD no frequency). This sequence change replaces glycine, which is neutral and non-polar, with arginine, which is basic and polar, at codon 279 of the GABRB3 protein (p.Gly279Arg). This variant also falls at the last nucleotide of exon 7, which is part of the consensus splice site for this exon.

Literature cited by the submitters: PubMed 17576681; PubMed 9536098.

NM_000814.6(GABRB3):c.835G>A (p.Gly279Arg)

Gene: GABRB3 (gamma-aminobutyric acid type A receptor subunit beta3; minus strand). Cytogenetic location: 15q12.
Variant type: single nucleotide variant.
Coding change: c.835G>A on transcript NM_000814.6 (MANE Select); coding-DNA position 835, G replaced by A.
Protein change: p.Gly279Arg; replaces glycine 279 with arginine.
Molecular consequence: missense variant.
Genome position (GRCh38, 1-based): chr15:26,567,581, C>T on the plus strand (G>A on the coding strand, the complement: GABRB3 is on the minus strand). VCF-style: chr15-26567581-C-T. GRCh37 (hg19) VCF-style: chr15-26812728-C-T.
Other names: c.580G>A, p.Gly194Arg (NM_001191320.2, NM_001278631.2); c.622G>A, p.Gly208Arg (NM_001191321.3); c.835G>A, p.Gly279Arg (NM_021912.5); short protein forms G208R, G194R, G279R.
Identifiers: ClinVar variation 1042138 (VCV001042138.8), dbSNP rs1890226806, ClinGen allele CA391462936.
Genomic context (GRCh38, chr15:26,567,581, plus strand): 5'-CTTAATACTGTAATGATACGGTTACTTTACATTTAAATATCACTTAAAAATAGCACATAC[C>T]GAGGGCAACTCTAGCAGCAGATGCATCATAATTGATCCAGAAGGACACCCACGACAGAAT-3'
Protein context (NP_000805.1, residues 269-289): YDASAARVAL[Gly279Arg]ITTVLTMTTI